The following is an entry in ClinVar:

NM_033100.4(CDHR1):c.2218C>T (p.Leu740Phe)

Gene: CDHR1 (cadherin related family member 1; plus strand). Cytogenetic location: 10q23.1.
Variant type: single nucleotide variant.
Coding change: c.2218C>T on transcript NM_033100.4 (MANE Select); coding-DNA position 2218, C replaced by T.
Protein change: p.Leu740Phe; replaces leucine 740 with phenylalanine.
Molecular consequence: missense variant. On other transcripts: intron variant (1).
Genome position (GRCh38, 1-based): chr10:84,214,259, C>T. VCF-style: chr10-84214259-C-T. GRCh37 (hg19) VCF-style: chr10-85974015-C-T.
Other names: c.2040+911C>T (NM_001171971.3); c.2218C>T (NM_033100.2); short protein forms L740F.
Identifiers: ClinVar variation 374520 (VCV000374520.52), dbSNP rs762396052, ClinGen allele CA5580176.
Genomic context (GRCh38, chr10:84,214,259, plus strand): 5'-TCCACCGCCACCTTCTGGCGCAACAAGAAGTCTAACAAGGTCCTGCCAATGCGGCGGGTG[C>T]TCCGCAAGCGGCCCAGCCCTGCGCCCCGCACCATCCGCATTGAGTGGCTCAAGTCCAAGA-3'
Protein context (NP_149091.1, residues 730-750): SNKVLPMRRV[Leu740Phe]RKRPSPAPRT

ClinVar aggregate classification (germline): Uncertain significance. Review status: criteria provided, multiple submitters, no conflicts (2 of 4 stars). 3 submissions from 3 submitters: Uncertain significance (3). Last evaluated 2024-06-07.

Conditions:
Inborn genetic diseases. Identifiers: MedGen C0950123, MeSH D030342.

Allele frequency attached by ClinVar (database versions not stated): gnomAD exomes below 0.00001 and 0.00001; gnomAD 0.00001; TOPMed 0.00002.

Submissions (3):

Ambry Genetics
Classification: Uncertain significance for Inborn genetic diseases. Last evaluated: 2024-06-07. Review status: criteria provided, single submitter. Criteria: Ambry Variant Classification Scheme 2023. Collection method: clinical testing. Allele origin: germline.

Labcorp Genetics (formerly Invitae), Labcorp
Classification: Uncertain significance. Last evaluated: 2022-02-05. Review status: criteria provided, single submitter. Criteria: Invitae Variant Classification Sherloc (09022015). Collection method: clinical testing. Allele origin: germline.
Comment: In summary, the available evidence is currently insufficient to determine the role of this variant in disease. Therefore, it has been classified as a Variant of Uncertain Significance. Advanced modeling of protein sequence and biophysical properties (such as structural, functional, and spatial information, amino acid conservation, physicochemical variation, residue mobility, and thermodynamic stability) performed at Invitae indicates that this missense variant is not expected to disrupt CDHR1 protein function. ClinVar contains an entry for this variant (Variation ID: 374520). This variant has not been reported in the literature in individuals affected with CDHR1-related conditions. This variant is present in population databases (rs762396052, gnomAD 0.01%). This sequence change replaces leucine, which is neutral and non-polar, with phenylalanine, which is neutral and non-polar, at codon 740 of the CDHR1 protein (p.Leu740Phe).

CeGaT Center for Human Genetics Tuebingen
Classification: Uncertain significance. Last evaluated: 2016-08-01. Review status: criteria provided, single submitter. Criteria: CeGaT Center For Human Genetics Tuebingen Variant Classification Criteria Version 2. Collection method: clinical testing. Allele origin: germline. Affected: yes. Observed: 1 variant allele.